The following is an entry in ClinVar:

NM_000363.5(TNNI3):c.185A>G (p.Glu62Gly)

Gene: TNNI3 (troponin I3, cardiac type; minus strand). Cytogenetic location: 19q13.42.
Variant type: single nucleotide variant.
Coding change: c.185A>G on transcript NM_000363.5 (MANE Select); coding-DNA position 185, A replaced by G.
Protein change: p.Glu62Gly; replaces glutamic acid 62 with glycine.
Molecular consequence: missense variant.
Genome position (GRCh38, 1-based): chr19:55,156,298, T>C on the plus strand (A>G on the coding strand, the complement: TNNI3 is on the minus strand). VCF-style: chr19-55156298-T-C. GRCh37 (hg19) VCF-style: chr19-55667666-T-C.
Other names: short protein forms E62G.
Identifiers: ClinVar variation 3376877 (VCV003376877.1).

ClinVar aggregate classification (germline): Uncertain significance (1 of 4 stars; one submission).

Conditions:
Hypertrophic cardiomyopathy 7. Also called: TNNI3-Related Familial Hypertrophic Cardiomyopathy; Familial hypertrophic cardiomyopathy 7; CARDIOMYOPATHY, FAMILIAL HYPERTROPHIC, 7, MODIFIER OF. Identifiers: MedGen C1860752, MONDO:0013369, OMIM 613690.

gnomAD v4.1: 1 of 1,610,690 alleles (0.000062%); highest among the groups gnomAD compares: Non-Finnish European, 0.000085%; no homozygotes.

Submission:

Victorian Clinical Genetics Services, Murdoch Childrens Research Institute
Classification: Uncertain significance for Hypertrophic cardiomyopathy 7. Last evaluated: 2024-09-20. Review status: criteria provided, single submitter. Criteria: ACMG Guidelines, 2015. Collection method: clinical testing. Allele origin: germline. Inheritance: Autosomal dominant inheritance. Affected: yes.
Comment: Based on the classification scheme VCGS_Germline_v1.3.4, this variant is classified as VUS-3B. Following criteria are met: 0103 - Gain of function and loss of function are reported mechanisms of disease in this gene. The former is associated with familial restrictive cardiomyopathy 1 (MIM#115210) and hypertrophic cardiomyopathy 7 (MIM#613690), while the latter is associated with dilated cardiomyopathy 1FF (MIM#613286) (PMIDs: 19914256, 21533915). (I) 0108 - This gene is associated with both recessive and dominant disease. The recessive form of inheritance is the exception and has only been reported in a small number of families (PMIDs: 15070570, 23270746). (I) 0112 - The condition associated with this gene has incomplete penetrance (PMIDs: 15607392, 32731933). (I) 0115 - Variants in this gene are known to have variable expressivity (PMID: 23270746). (I) 0200 - Variant is predicted to result in a missense amino acid change from glutamic acid to glycine. (I) 0251 - This variant is heterozygous. (I) 0301 - Variant is absent from gnomAD (both v2 and v3). (SP) 0501 - Missense variant consistently predicted to be damaging by multiple in silico tools or highly conserved with a major amino acid change. (SP) 0600 - Variant is located in the annotated troponin domain (DECIPHER). (I) 0710 - Another missense variant comparable to the one identified in this case has inconclusive previous evidence for pathogenicity. An alternative amino acid substitution at the same position, p.(Glu62Lys), has been classified as VUS in ClinVar. (I) 0807 - This variant has no previous evidence of pathogenicity. (I) 0905 - No published segregation evidence has been identified for this variant. (I) 1007 - No published functional evidence has been identified for this variant. (I) 1208 - Inheritance information for this variant is not currently available in this individual. (I) Legend: (SP) - Supporting pathogenic, (I) - Information, (SB) - Supporting benign

Literature cited by the submitters: PubMed 15070570; PubMed 15607392; PubMed 19914256; PubMed 21533915; PubMed 23270746; PubMed 32731933.